The following is an entry in ClinVar:

ClinVar aggregate classification (germline): Benign/Likely benign. Review status: criteria provided, multiple submitters, no conflicts (2 of 4 stars). 2 submissions from 2 submitters: Benign (1); Likely benign (1). Last evaluated 2026-06-01.

Allele frequency attached by ClinVar (database versions not stated): gnomAD exomes 0.00002 and 0.00008; ExAC 0.00011; 1000 Genomes Project 30x 0.00021; 1000 Genomes Project 0.00026; TOPMed 0.00026; ESP Exome Variant Server 0.00028; gnomAD 0.00031 and 0.00032.
gnomAD v4.1: 63 of 1,196,834 alleles (0.0053%); highest among the groups gnomAD compares: African/African-American, 0.099%; no homozygotes.

Submissions (2):

CeGaT Center for Human Genetics Tuebingen
Classification: Likely benign. Last evaluated: 2026-06-01. Review status: criteria provided, single submitter. Criteria: CeGaT Center For Human Genetics Tuebingen Variant Classification Criteria Version 2. Collection method: clinical testing. Allele origin: germline. Affected: yes. Observed: 1 variant allele.
Comment: HUWE1: BP4, BS2

Labcorp Genetics (formerly Invitae), Labcorp
Classification: Benign. Last evaluated: 2024-11-18. Review status: criteria provided, single submitter. Criteria: Invitae Variant Classification Sherloc (09022015). Collection method: clinical testing. Allele origin: germline.

NM_031407.7(HUWE1):c.10497C>T (p.Ser3499=)

Gene: HUWE1 (HECT, UBA and WWE domain containing E3 ubiquitin protein ligase 1; minus strand). Cytogenetic location: Xp11.22.
Variant type: single nucleotide variant.
Coding change: c.10497C>T on transcript NM_031407.7 (MANE Select); coding-DNA position 10497, C replaced by T.
Protein change: p.Ser3499=; no amino-acid change (serine 3499 retained).
Molecular consequence: synonymous variant.
Genome position (GRCh38, 1-based): chrX:53,547,812, G>A on the plus strand (C>T on the coding strand, the complement: HUWE1 is on the minus strand). VCF-style: chrX-53547812-G-A. GRCh37 (hg19) VCF-style: chrX-53574773-G-A.
Identifiers: ClinVar variation 738880 (VCV000738880.10), dbSNP rs374436582, ClinGen allele CA10421534.